The following is an entry in ClinVar:

NM_001170535.3(ATAD3A):c.384+1G>A

Gene: ATAD3A (ATPase family AAA domain containing 3A; plus strand). Cytogenetic location: 1p36.33.
Variant type: single nucleotide variant.
Coding change: c.384+1G>A on transcript NM_001170535.3 (MANE Select); the canonical splice donor site of the intron after coding-DNA position 384, G replaced by A.
Molecular consequence: splice donor variant.
Genome position (GRCh38, 1-based): chr1:1,517,413, G>A. VCF-style: chr1-1517413-G-A. GRCh37 (hg19) VCF-style: chr1-1452793-G-A.
Other names: c.528+1G>A (NM_018188.5); c.147+1G>A (NM_001170536.3).
Identifiers: ClinVar variation 986833 (VCV000986833.3), dbSNP rs1394640737, ClinGen allele CA337850640.

ClinVar aggregate classification (germline): Likely pathogenic. Review status: criteria provided, multiple submitters, no conflicts (2 of 4 stars). 2 submissions from 2 submitters: Likely pathogenic (2). Last evaluated 2023-08-11.

Allele frequency attached by ClinVar (database versions not stated): TOPMed below 0.00001.

Submissions (2):

GeneDx
Classification: Likely pathogenic. Last evaluated: 2023-08-11. Review status: criteria provided, single submitter. Criteria: GeneDx Variant Classification Process June 2021. Collection method: clinical testing. Allele origin: germline. Affected: yes.
Comment: Canonical splice site variant expected to result in aberrant splicing, although in the absence of functional evidence the actual effect of this sequence change is unknown.; Not observed at significant frequency in large population cohorts (gnomAD); Has not been previously published as pathogenic or benign to our knowledge

Institute of Medical Genetics and Applied Genomics, University Hospital Tübingen
Classification: Likely pathogenic. Last evaluated: 2020-10-23. Review status: criteria provided, single submitter. Criteria: ACMG Guidelines, 2015. Collection method: clinical testing. Allele origin: germline. Inheritance: Unknown mechanism. Affected: yes.